The following is an entry in ClinVar:

NM_003850.3(SUCLA2):c.274T>G (p.Ser92Ala)

Gene: SUCLA2 (succinate-CoA ligase ADP-forming subunit beta; minus strand). Cytogenetic location: 13q14.2.
Variant type: single nucleotide variant.
Coding change: c.274T>G on transcript NM_003850.3 (MANE Select); coding-DNA position 274, T replaced by G.
Protein change: p.Ser92Ala; replaces serine 92 with alanine.
Molecular consequence: missense variant.
Genome position (GRCh38, 1-based): chr13:47,988,979, A>C on the plus strand (T>G on the coding strand, the complement: SUCLA2 is on the minus strand). VCF-style: chr13-47988979-A-C. GRCh37 (hg19) VCF-style: chr13-48563114-A-C.
Other names: short protein forms S92A.
Identifiers: ClinVar variation 537758 (VCV000537758.12), dbSNP rs764915250, ClinGen allele CA6978035.

ClinVar aggregate classification (germline): Uncertain significance. Review status: criteria provided, multiple submitters, no conflicts (2 of 4 stars). 2 submissions from 2 submitters: Uncertain significance (2). Last evaluated 2022-07-30.

Conditions:
Mitochondrial DNA depletion syndrome, encephalomyopathic form with methylmalonic aciduria (MTDPS5). Also called: SUCLA2-Related Mitochondrial DNA Depletion Syndrome, Encephalomyopathic Form with Methylmalonic Aciduria; Mitochondrial encephalomyopathy aminoacidopathy; MITOCHONDRIAL DNA DEPLETION SYNDROME, ENCEPHALOMYOPATHIC FORM, WITH OR WITHOUT METHYLMALONIC ACIDURIA, AUTOSOMAL RECESSIVE, SUCLA2-RELATED; Mitochondrial DNA depletion syndrome 5 (encephalomyopathic with or without methylmalonic aciduria). Identifiers: Orphanet 1933, MedGen C5980207, MONDO:0012791, OMIM 612073.

Allele frequency attached by ClinVar (database versions not stated): gnomAD exomes 0.00002 and 0.00001; TOPMed 0.00002; ExAC 0.00001; gnomAD 0.00001.
gnomAD v4.1: 9 of 1,613,184 alleles (0.00056%); highest among the groups gnomAD compares: Admixed American, 0.0083%; no homozygotes.

Submissions (2):

Labcorp Genetics (formerly Invitae), Labcorp
Classification: Uncertain significance for Mitochondrial DNA depletion syndrome, encephalomyopathic form with methylmalonic aciduria. Last evaluated: 2022-07-30. Review status: criteria provided, single submitter. Criteria: Invitae Variant Classification Sherloc (09022015). Collection method: clinical testing. Allele origin: germline.
Comment: ClinVar contains an entry for this variant (Variation ID: 537758). This sequence change replaces serine, which is neutral and polar, with alanine, which is neutral and non-polar, at codon 92 of the SUCLA2 protein (p.Ser92Ala). This variant is present in population databases (rs764915250, gnomAD 0.01%). This variant has not been reported in the literature in individuals affected with SUCLA2-related conditions. Algorithms developed to predict the effect of missense changes on protein structure and function (SIFT, PolyPhen-2, Align-GVGD) all suggest that this variant is likely to be tolerated. In summary, the available evidence is currently insufficient to determine the role of this variant in disease. Therefore, it has been classified as a Variant of Uncertain Significance.

Illumina Laboratory Services, Illumina
Classification: Uncertain significance for Mitochondrial DNA depletion syndrome, encephalomyopathic form with methylmalonic aciduria. Last evaluated: 2018-01-13. Review status: criteria provided, single submitter. Criteria: ICSL Variant Classification Criteria 13 December 2019. Collection method: clinical testing. Allele origin: germline.